The following is an entry in ClinVar:

NM_018051.5(DYNC2I1):c.50del (p.Asp17fs)

Gene: DYNC2I1 (dynein 2 intermediate chain 1; plus strand). Cytogenetic location: 7q36.3.
Variant type: Deletion.
Coding change: c.50del on transcript NM_018051.5 (MANE Select); coding-DNA position 50, one base deleted (A; older notation c.50delA).
Protein change: p.Asp17fs; shifts the reading frame from aspartic acid 17.
Molecular consequence: frameshift variant. On other transcripts: 5 prime UTR variant (5).
Genome position (GRCh38, 1-based): chr7:158,869,889, A deleted. VCF-style (leftmost placement, unchanged base first): chr7-158869888-GA-G. GRCh37 (hg19) VCF-style: chr7-158662579-GA-G.
Other names: c.-89del (NM_001350914.2); c.-468del (NM_001350915.2); c.-1309del (NM_001350916.2); c.-1317del (NM_001350917.2); c.-1436del (NM_001350918.2); short protein forms D17fs.
Identifiers: ClinVar variation 5019025 (VCV005019025.2).
Genomic context (GRCh38, chr7:158,869,888, plus strand): 5'-ATTCTAACTTTATACTTTTCTATTTAGAGAAGAACCAAAGATGATACCTGGAAAGCAGAT[GA>G]CCTCAGAAAACATCTCTGGGTAATTATTGTAAAGATTTGGATTGGGATCTGTGCAGGACT-3'

ClinVar aggregate classification (germline): Likely pathogenic (1 of 4 stars; one submission).

Conditions:
Short-rib thoracic dysplasia 8 with or without polydactyly (SRTD8). Also called: SHORT-RIB THORACIC DYSPLASIA 8 WITH POLYDACTYLY. Identifiers: Orphanet 93271, MedGen C3809691, MONDO:0014214, OMIM 615503.

Submission:

Juno Genomics, Hangzhou Juno Genomics, Inc
Classification: Likely pathogenic for Short-rib thoracic dysplasia 8 with or without polydactyly. Review status: criteria provided, single submitter. Criteria: ACMG Guidelines, 2015. Collection method: clinical testing. Allele origin: germline.
Comment: Absent from controls (or at extremely low frequency if recessive) in Genome Aggregation Database.;Null variant in a gene where loss of function (LOF) is a known mechanism of disease.